The following is an entry in ClinVar:

NM_005236.3(ERCC4):c.1793G>A (p.Arg598Lys)

Gene: ERCC4 (ERCC excision repair 4, endonuclease catalytic subunit; plus strand). Cytogenetic location: 16p13.12.
Variant type: single nucleotide variant.
Coding change: c.1793G>A on transcript NM_005236.3 (MANE Select); coding-DNA position 1793, G replaced by A.
Protein change: p.Arg598Lys; replaces arginine 598 with lysine.
Molecular consequence: missense variant.
Genome position (GRCh38, 1-based): chr16:13,935,725, G>A. VCF-style: chr16-13935725-G-A. GRCh37 (hg19) VCF-style: chr16-14029582-G-A.
Other names: short protein forms R598K.
Identifiers: ClinVar variation 1710962 (VCV001710962.4), dbSNP rs777448181, ClinGen allele CA7910537.

ClinVar aggregate classification (germline): Uncertain significance. Review status: criteria provided, multiple submitters, no conflicts (2 of 4 stars). 2 submissions from 2 submitters: Uncertain significance (2). Last evaluated 2025-12-09.

Conditions:
Inborn genetic diseases. Identifiers: MedGen C0950123, MeSH D030342.
Xeroderma pigmentosum, group F (XPF). Also called: XERODERMA PIGMENTOSUM, COMPLEMENTATION GROUP F; XERODERMA PIGMENTOSUM VI; XP, GROUP F; ERCC4-Related Xeroderma Pigmentosum; XERODERMA PIGMENTOSUM, TYPE F; Xeroderma pigmentosum, type 6. Identifiers: MedGen C0268140, MONDO:0010215, OMIM 278760.

Allele frequency attached by ClinVar (database versions not stated): ExAC 0.00001; gnomAD 0.00001; TOPMed 0.00001; gnomAD exomes 0.00003.
gnomAD v4.1: 43 of 1,613,606 alleles (0.0027%); highest among the groups gnomAD compares: Non-Finnish European, 0.0036%; no homozygotes.

Submissions (2):

Ambry Genetics
Classification: Uncertain significance for Inborn genetic diseases. Last evaluated: 2025-12-09. Review status: criteria provided, single submitter. Criteria: Ambry Variant Classification Scheme 2023. Collection method: clinical testing. Allele origin: germline.

St. Jude Molecular Pathology, St. Jude Children's Research Hospital
Classification: Uncertain significance for Xeroderma pigmentosum, group F. Last evaluated: 2022-07-13. Review status: criteria provided, single submitter. Criteria: St. Jude Assertion Criteria 2020. Collection method: clinical testing. Allele origin: germline.
Comment: The ERCC4 c.1793G>A (p.Arg598Lys) missense change has a maximum subpopulation frequency of 0.0050% in gnomAD v2.1.1. The in silico tool REVEL predicts a benign effect on protein function, but to our knowledge this prediction has not been confirmed by functional studies. To our knowledge, this variant has not been reported in individuals with Fanconi anemia or Xeroderma pigmentosum. In summary, the evidence currently available is insufficient to determine the clinical significance of this variant. It has therefore been classified as of uncertain significance.